The following is an entry in ClinVar:

ClinVar aggregate classification (germline): Uncertain significance (1 of 4 stars; one submission).

Conditions:
Hydrolethalus syndrome 1 (HLS1). Identifiers: Orphanet 2189, MedGen C1856016, MONDO:0009365, OMIM 236680.

gnomAD v4.1: 1 of 1,614,018 alleles (0.000062%); highest among the groups gnomAD compares: Non-Finnish European, 0.000085%; no homozygotes.

Submission:

Myriad Genetics, Inc.
Classification: Uncertain significance for Hydrolethalus syndrome 1. Last evaluated: 2026-05-26. Review status: criteria provided, single submitter. Criteria: Myriad Autosomal Dominant, Autosomal Recessive and X-Linked Classification Criteria (2023). Collection method: clinical testing. Allele origin: unknown.
Comment: NM_145014.2(HYLS1):c.1A>G(M1?) is an initiation codon variant classified as a variant of uncertain significance in the context of hydrolethalus syndrome. M1? has not been observed in cases with relevant disease. Relevant functional assessments of this variant are not available in the literature. M1? has not been observed in referenced population frequency databases. In summary, there is insufficient evidence to classify NM_145014.2(HYLS1):c.1A>G(M1?) as pathogenic or benign. Please note: this variant was assessed in the context of healthy population screening.

NM_001134793.2(HYLS1):c.1A>G (p.Met1Val)

Genes: HYLS1 (HYLS1 centriolar and ciliogenesis associated; plus strand), PUS3 (pseudouridine synthase 3; minus strand). Cytogenetic location: 11q24.2.
Variant type: single nucleotide variant.
Coding change: c.1A>G on transcript NM_001134793.2 (MANE Select); coding-DNA position 1, A replaced by G.
Protein change: p.Met1Val; changes the start codon (methionine 1).
Molecular consequence: missense variant, initiator codon variant. On other transcripts: intron variant (7).
Genome position (GRCh38, 1-based): chr11:125,899,369, A>G. VCF-style: chr11-125899369-A-G. GRCh37 (hg19) VCF-style: chr11-125769264-A-G.
Other names: c.1A>G, p.Met1Val (NM_001377269.1, NM_001377270.1, NM_001424364.1 and 1 more transcripts); c.-246-3580T>C (NM_001271985.2); c.-46-3039T>C (NM_001441241.1, NM_001441239.1, NM_031307.4); c.-247+1310T>C (NM_001441238.1); c.-47+1310T>C (NM_001441240.1, NM_001441237.1); short protein forms M1V.
Identifiers: ClinVar variation 5003548 (VCV005003548.1).
Genomic context (GRCh38, chr11:125,899,369, plus strand): 5'-ATTATCAGAAAACTGACCAATGTTATCTCTTGCAGAAGGTCCTACAGTGTAGGGGAAGCA[A>G]TGGAAGAACTTCTACCTGATGGACAAATATGGGCTAATATGGATCCAGAAGAACGAATGT-3'
Protein context (NP_001128265.1, residues 1-11): [Met1Val]EELLPDGQIW